The following is an entry in ClinVar:

NM_001385012.1(NBEA):c.8813+3G>T

Gene: NBEA (neurobeachin; plus strand). Cytogenetic location: 13q13.3.
Variant type: single nucleotide variant.
Coding change: c.8813+3G>T on transcript NM_001385012.1 (MANE Select); 3 bases into the intron after coding-DNA position 8813, G replaced by T.
Molecular consequence: intron variant.
Genome position (GRCh38, 1-based): chr13:35,668,522, G>T. VCF-style: chr13-35668522-G-T. GRCh37 (hg19) VCF-style: chr13-36242659-G-T.
Other names: c.8750+3G>T (NM_015678.5); c.8804+3G>T (NM_001379245.1); c.2129+3G>T (NM_001204197.3).
Identifiers: ClinVar variation 2575533 (VCV002575533.1), dbSNP rs2550048165, ClinGen allele CA2580614708.
Genomic context (GRCh38, chr13:35,668,522, plus strand): 5'-ACATTTACCCTGGATGTGATGCTGGCATTAGAGCAATGGACTTGTCCCATGACCAGAGGT[G>T]AGCTGCGTCAAGGACAAGTATCATCACTGAGAACTGTCATTGAAGGCTCTCTTCATTCTA-3'

ClinVar aggregate classification (germline): Uncertain significance (1 of 4 stars; one submission).

Submission:

GeneDx
Classification: Uncertain significance. Last evaluated: 2023-02-08. Review status: criteria provided, single submitter. Criteria: GeneDx Variant Classification Process June 2021. Collection method: clinical testing. Allele origin: germline. Affected: yes.
Comment: Not observed at significant frequency in large population cohorts (gnomAD); In silico analysis is inconclusive as to whether the variant alters gene splicing. In the absence of RNA/functional studies, the actual effect of this sequence change is unknown.; Has not been previously published as pathogenic or benign to our knowledge